The following is an entry in ClinVar:

NM_019032.6(ADAMTSL4):c.3155C>T (p.Pro1052Leu)

Gene: ADAMTSL4 (ADAMTS like 4; plus strand). Cytogenetic location: 1q21.2.
Variant type: single nucleotide variant.
Coding change: c.3155C>T on transcript NM_019032.6 (MANE Select); coding-DNA position 3155, C replaced by T.
Protein change: p.Pro1052Leu; replaces proline 1052 with leucine.
Molecular consequence: missense variant.
Genome position (GRCh38, 1-based): chr1:150,560,126, C>T. VCF-style: chr1-150560126-C-T. GRCh37 (hg19) VCF-style: chr1-150532602-C-T.
Other names: c.3038C>T, p.Pro1013Leu (NM_001288607.2); c.3224C>T, p.Pro1075Leu (NM_001288608.2); c.3155C>T, p.Pro1052Leu (NM_001378596.1); c.3155C>T (NM_019032.4); short protein forms P1052L, P1013L, P1075L.
Identifiers: ClinVar variation 2065687 (VCV002065687.5), dbSNP rs371789140, ClinGen allele CA1078969.

ClinVar aggregate classification (germline): Uncertain significance. Review status: criteria provided, multiple submitters, no conflicts (2 of 4 stars). 5 submissions from 4 submitters: Uncertain significance (5). Last evaluated 2024-07-02.

Conditions:
Ectopia lentis 2, isolated, autosomal recessive (ECTOL2). Identifiers: Orphanet 1885, MedGen C3541474, MONDO:0009152, OMIM 225100.
Inborn genetic diseases. Identifiers: MedGen C0950123, MeSH D030342.
Ectopia lentis et pupillae. Also called: ECTOPIA LENTIS WITH ECTOPIA OF PUPIL. Identifiers: Orphanet 1885, MedGen C1644196, MONDO:0009153, OMIM 225200.

Allele frequency attached by ClinVar (database versions not stated): gnomAD exomes 0.00007; ExAC 0.00008; TOPMed 0.00010; gnomAD 0.00011; ESP Exome Variant Server 0.00015.
gnomAD v4.1: 127 of 1,614,012 alleles (0.0079%); highest among the groups gnomAD compares: Middle Eastern, 0.033%; no homozygotes.

Submissions (5):

Blueprint Genetics
Classification: Uncertain significance. Last evaluated: 2024-07-02. Review status: criteria provided, single submitter. Criteria: ACMG Guidelines, 2015. Collection method: clinical testing. Allele origin: germline.

Genome-Nilou Lab
Classification: Uncertain significance for Ectopia lentis et pupillae. Last evaluated: 2023-04-11. Review status: criteria provided, single submitter. Criteria: ACMG Guidelines, 2015. Collection method: clinical testing. Allele origin: germline. Affected: no.

Genome-Nilou Lab
Classification: Uncertain significance for Ectopia lentis 2, isolated, autosomal recessive. Last evaluated: 2023-04-11. Review status: criteria provided, single submitter. Criteria: ACMG Guidelines, 2015. Collection method: clinical testing. Allele origin: germline. Affected: no.

Ambry Genetics
Classification: Uncertain significance for Inborn genetic diseases. Last evaluated: 2023-01-09. Review status: criteria provided, single submitter. Criteria: Ambry Variant Classification Scheme 2023. Collection method: clinical testing. Allele origin: germline.

Labcorp Genetics (formerly Invitae), Labcorp
Classification: Uncertain significance. Last evaluated: 2022-06-27. Review status: criteria provided, single submitter. Criteria: Invitae Variant Classification Sherloc (09022015). Collection method: clinical testing. Allele origin: germline.
Comment: This sequence change replaces proline, which is neutral and non-polar, with leucine, which is neutral and non-polar, at codon 1052 of the ADAMTSL4 protein (p.Pro1052Leu). This variant is present in population databases (rs371789140, gnomAD 0.2%). This variant has not been reported in the literature in individuals affected with ADAMTSL4-related conditions. Algorithms developed to predict the effect of missense changes on protein structure and function (SIFT, PolyPhen-2, Align-GVGD) all suggest that this variant is likely to be disruptive. In summary, the available evidence is currently insufficient to determine the role of this variant in disease. Therefore, it has been classified as a Variant of Uncertain Significance.